The following is an entry in ClinVar:

ClinVar aggregate classification (germline): Uncertain significance (1 of 4 stars; one submission).

Conditions:
Neurodevelopmental disorder with hypotonia and variable intellectual and behavioral abnormalities. Identifiers: MedGen C5231423, MONDO:0032829, OMIM 618603.

Submission:

3billion
Classification: Uncertain significance for Neurodevelopmental disorder with hypotonia and variable intellectual and behavioral abnormalities. Last evaluated: 2023-11-15. Review status: criteria provided, single submitter. Criteria: ACMG Guidelines, 2015. Collection method: clinical testing. Allele origin: germline. Affected: yes.
Comment: The variant is not observed in the gnomAD v2.1.1 dataset. Predicted Consequence/Location: Missense changes are a common disease-causing mechanism. In silico tool predictions suggest damaging effect of the variant on gene or gene product [REVEL: 0.78 (>=0.6, sensitivity 0.68 and specificity 0.92)]. Therefore, this variant is classified as VUS according to the recommendation of ACMG/AMP guideline.

NM_000937.5(POLR2A):c.1383G>C (p.Gln461His)

Gene: POLR2A (RNA polymerase II subunit A; plus strand). Cytogenetic location: 17p13.1.
Variant type: single nucleotide variant.
Coding change: c.1383G>C on transcript NM_000937.5 (MANE Select); coding-DNA position 1383, G replaced by C.
Protein change: p.Gln461His; replaces glutamine 461 with histidine.
Molecular consequence: missense variant.
Genome position (GRCh38, 1-based): chr17:7,499,086, G>C. VCF-style: chr17-7499086-G-C. GRCh37 (hg19) VCF-style: chr17-7402405-G-C.
Other names: short protein forms Q461H.
Identifiers: ClinVar variation 3775257 (VCV003775257.1).